The following is an entry in ClinVar:

ClinVar aggregate classification (germline): Benign/Likely benign. Review status: criteria provided, multiple submitters, no conflicts (2 of 4 stars). 14 submissions from 13 submitters: Benign (9); Likely benign (3). 2 of the submissions do not count toward it. Last evaluated 2026-02-03.

Conditions:
Fibromuscular dysplasia, multifocal. Identifiers: MedGen C5543412, MONDO:0859151, OMIM 619329.
Ehlers-Danlos syndrome, classic type, 1 (EDSCL1). Also called: Ehlers-Danlos syndrome, type 1; Ehlers-Danlos Syndrome, Classic Type, COL5A1-Related; EDS I; EHLERS-DANLOS SYNDROME, GRAVIS TYPE; EHLERS-DANLOS SYNDROME, SEVERE CLASSIC TYPE. Identifiers: MedGen C0268335, MONDO:0019567, OMIM 130000.
Ehlers-Danlos syndrome (EDS). Identifiers: Orphanet 98249, MedGen C0013720, MONDO:0020066.
Familial thoracic aortic aneurysm and aortic dissection (TAAD). Also called: Thoracic aortic aneurysms and dissections. Identifiers: Orphanet 91387, MedGen C4707243, MONDO:0019625.

Allele frequency attached by ClinVar (database versions not stated): ESP Exome Variant Server 0.00015; gnomAD 0.00034 and 0.00072; TOPMed 0.00072; gnomAD exomes 0.00125; ExAC 0.00147; 1000 Genomes Project 30x 0.00234; 1000 Genomes Project 0.00280.
gnomAD v4.1: 1,680 of 1,613,952 alleles (0.1%); highest among the groups gnomAD compares: East Asian, 3.3%; 37 homozygotes.

Submissions (14):

Labcorp Genetics (formerly Invitae), Labcorp
Classification: Benign for Ehlers-Danlos syndrome, classic type, 1. Last evaluated: 2026-02-03. Review status: criteria provided, single submitter. Criteria: Invitae Variant Classification Sherloc (09022015). Collection method: clinical testing. Allele origin: germline.

Mayo Clinic Laboratories, Mayo Clinic
Classification: Likely benign. Last evaluated: 2025-07-21. Review status: criteria provided, single submitter. Criteria: ACMG Guidelines, 2015. Collection method: clinical testing. Allele origin: germline. Observed: 4 variant alleles.
Comment: BS1, BS2, BP4, BP7

Blueprint Genetics
Classification: Likely benign. Last evaluated: 2024-11-21. Review status: criteria provided, single submitter. Criteria: ACMG Guidelines, 2015. Collection method: clinical testing. Allele origin: germline.

Women's Health and Genetics/Laboratory Corporation of America, LabCorp
Classification: Benign. Last evaluated: 2023-07-21. Review status: criteria provided, single submitter. Criteria: LabCorp Variant Classification Summary - May 2015. Collection method: clinical testing. Allele origin: germline.

CeGaT Center for Human Genetics Tuebingen
Classification: Benign. Last evaluated: 2023-01-01. Review status: criteria provided, single submitter. Criteria: CeGaT Center For Human Genetics Tuebingen Variant Classification Criteria Version 2. Collection method: clinical testing. Allele origin: germline. Affected: yes. Observed: 1 variant allele.
Comment: COL5A1: BP4, BP7, BS1, BS2

Genome-Nilou Lab
Classification: Benign for Ehlers-Danlos syndrome, classic type, 1. Last evaluated: 2022-03-15. Review status: criteria provided, single submitter. Criteria: ACMG Guidelines, 2015. Collection method: clinical testing. Allele origin: germline. Affected: no.

Genome-Nilou Lab
Classification: Benign for Fibromuscular dysplasia, multifocal. Last evaluated: 2022-03-15. Review status: criteria provided, single submitter. Criteria: ACMG Guidelines, 2015. Collection method: clinical testing. Allele origin: germline. Affected: no.

Genome Diagnostics Laboratory, The Hospital for Sick Children
Classification: Likely benign for Ehlers-Danlos syndrome. Last evaluated: 2021-09-15. Review status: criteria provided, single submitter. Criteria: ACMG Guidelines, 2015. Collection method: clinical testing. Allele origin: germline.

ARUP Laboratories, Molecular Genetics and Genomics, ARUP Laboratories
Classification: Benign. Last evaluated: 2016-09-21. Review status: criteria provided, single submitter. Criteria: ARUP Molecular Germline Variant Investigation Process. Collection method: clinical testing. Allele origin: germline.

Ambry Genetics
Classification: Benign for Familial thoracic aortic aneurysm and aortic dissection. Last evaluated: 2016-01-08. Review status: criteria provided, single submitter. Criteria: Ambry Variant Classification Scheme 2023. Collection method: clinical testing. Allele origin: germline.

GeneDx
Classification: Benign. Last evaluated: 2013-11-01. Review status: criteria provided, single submitter. Criteria: GeneDx Variant Classification (06012015). Collection method: clinical testing. Allele origin: germline. Affected: yes.
Comment: This variant is considered likely benign or benign based on one or more of the following criteria: it is a conservative change, it occurs at a poorly conserved position in the protein, it is predicted to be benign by multiple in silico algorithms, and/or has population frequency not consistent with disease.

PreventionGenetics, part of Exact Sciences
Classification: Benign. Review status: criteria provided, single submitter. Criteria: ACMG Guidelines, 2015. Collection method: clinical testing. Allele origin: germline.

Clinical Genetics DNA and cytogenetics Diagnostics Lab, Erasmus MC, Erasmus Medical Center
Classification: Benign. Review status: no assertion criteria provided. Collection method: clinical testing. Allele origin: germline. Affected: yes. Study: VKGL Data-share Consensus. Not counted in ClinVar's aggregate classification.

Genome Diagnostics Laboratory, University Medical Center Utrecht
Classification: Benign. Review status: no assertion criteria provided. Collection method: clinical testing. Allele origin: germline. Affected: yes. Study: VKGL Data-share Consensus. Not counted in ClinVar's aggregate classification.

NM_000093.5(COL5A1):c.4683A>C (p.Gly1561=)

Genes: COL5A1 (collagen type V alpha 1 chain; plus strand), LOC101448202 (uncharacterized LOC101448202; minus strand). Cytogenetic location: 9q34.3.
Variant type: single nucleotide variant.
Coding change: c.4683A>C on transcript NM_000093.5 (MANE Select); coding-DNA position 4683, A replaced by C.
Protein change: p.Gly1561=; no amino-acid change (glycine 1561 retained).
Molecular consequence: synonymous variant.
Genome position (GRCh38, 1-based): chr9:134,823,454, A>C. VCF-style: chr9-134823454-A-C. GRCh37 (hg19) VCF-style: chr9-137715300-A-C.
Other names: p.G1561G:GGA>GGC; p.Gly1561=; c.4683A>C, p.Gly1561= (NM_001278074.1).
Identifiers: ClinVar variation 136902 (VCV000136902.61), dbSNP rs149959668, ClinGen allele CA290296.